The following is an entry in ClinVar:

NM_000179.3(MSH6):c.-16C>A

Gene: MSH6 (mutS homolog 6; plus strand). Cytogenetic location: 2p16.3.
Variant type: single nucleotide variant.
Coding change: c.-16C>A on transcript NM_000179.3 (MANE Select); 16 bases upstream of the start codon, C replaced by A.
Molecular consequence: 5 prime UTR variant.
Genome position (GRCh38, 1-based): chr2:47,783,218, C>A. VCF-style: chr2-47783218-C-A. GRCh37 (hg19) VCF-style: chr2-48010357-C-A.
Other names: c.-16C>A (NM_001281492.2); c.-752C>A (NM_001281493.2).
Identifiers: ClinVar variation 420296 (VCV000420296.3), dbSNP rs1064794403, ClinGen allele CA16617614.
Genomic context (GRCh38, chr2:47,783,218, plus strand): 5'-GCAGGAGCCGCGCGGTAGATGCGGTGCTTTTAGGAGCTCCGTCCGACAGAACGGTTGGGC[C>A]TTGCCGGCTGTCGGTATGTCGCGACAGAGCACCCTGTACAGCTTCTTCCCCAAGTCTCCG-3'

ClinVar aggregate classification (germline): Conflicting classifications of pathogenicity. Review status: criteria provided, conflicting classifications (1 of 4 stars). 2 submissions from 2 submitters: Uncertain significance (1); Likely benign (1). Last evaluated 2018-08-03.

Conditions:
Hereditary cancer-predisposing syndrome. Also called: Hereditary neoplastic syndrome; Tumor predisposition; Neoplastic Syndromes, Hereditary; Hereditary Cancer Syndrome. Identifiers: Orphanet 140162, MedGen C0027672, MeSH D009386, MONDO:0015356.

Allele frequency attached by ClinVar (database versions not stated): gnomAD exomes below 0.00001.
gnomAD v4.1: 1 of 1,611,236 alleles (0.000062%); highest among the groups gnomAD compares: South Asian, 0.0011%; no homozygotes.

Submissions (2):

Color Diagnostics, LLC DBA Color Health
Classification: Uncertain significance for Hereditary cancer-predisposing syndrome. Last evaluated: 2018-08-03. Review status: criteria provided, single submitter. Criteria: ACMG Guidelines, 2015. Collection method: clinical testing. Allele origin: germline.

GeneDx
Classification: Likely benign. Last evaluated: 2017-06-06. Review status: criteria provided, single submitter. Criteria: GeneDx Variant Classification (06012015). Collection method: clinical testing. Allele origin: germline. Affected: yes.
Comment: This variant is considered likely benign or benign based on one or more of the following criteria: it is a conservative change, it occurs at a poorly conserved position in the protein, it is predicted to be benign by multiple in silico algorithms, and/or has population frequency not consistent with disease.